The following is an entry in ClinVar:

ClinVar aggregate classification (germline): Conflicting classifications of pathogenicity. Review status: criteria provided, conflicting classifications (1 of 4 stars). 4 submissions from 4 submitters: Uncertain significance (3); Likely benign (1). Last evaluated 2026-01-06.

Conditions:
Cardiomyopathy (CMYO). Also called: Cardiomyopathies. Identifiers: Orphanet 167848, MedGen C0878544, MONDO:0004994, HP:0001638. Inheritance: Various modes of inheritance.
Arrhythmogenic right ventricular dysplasia 8 (ARVD8). Also called: Arrhythmogenic Right Ventricular Dysplasia/Cardiomyopathy 8; ARRHYTHMOGENIC RIGHT VENTRICULAR DYSPLASIA, FAMILIAL, 8; ARRHYTHMOGENIC RIGHT VENTRICULAR CARDIOMYOPATHY 8. Identifiers: MedGen C1843896, MONDO:0011831, OMIM 607450.
Woolly hair-skin fragility syndrome (WHSF). Identifiers: Orphanet 293165, MedGen C1843292, MONDO:0957307, OMIM 620415.
Arrhythmogenic cardiomyopathy with wooly hair and keratoderma. Also called: Arrhythmogenic cardiomyopathy with woolly hair and keratoderma; PALMOPLANTAR KERATODERMA WITH LEFT VENTRICULAR CARDIOMYOPATHY AND WOOLLY HAIR; Carvajal syndrome; Dilated cardiomyopathy with woolly hair and keratoderma. Identifiers: Orphanet 65282, MedGen C1854063, MONDO:0011581, OMIM 605676.
Cardiomyopathy, dilated, with wooly hair, keratoderma, and tooth agenesis. Also called: Erythrokeratodermia-cardiomyopathy syndrome; Cardiomyopathy, dilated, with woolly hair, keratoderma, and tooth agenesis. Identifiers: Orphanet 476096, Orphanet 65282, MedGen C4014393, MONDO:0014355, OMIM 615821.
Lethal acantholytic epidermolysis bullosa (EBLA). Identifiers: Orphanet 158687, MedGen C1864826, MONDO:0012323, OMIM 609638.
Keratosis palmoplantaris striata 2. Also called: KERATODERMA, PALMOPLANTAR, STRIATE FORM II; STRIATE PALMOPLANTAR KERATODERMA II; Keratosis palmoplantaris striata II. Identifiers: MedGen C1852127, MONDO:0013034, OMIM 612908.
Cardiovascular phenotype. Identifiers: MedGen CN230736.

Allele frequency attached by ClinVar (database versions not stated): gnomAD 0.00001; gnomAD exomes 0.00001 and 0.00004; TOPMed 0.00001; ExAC 0.00002.
gnomAD v4.1: 57 of 1,614,058 alleles (0.0035%); highest among the groups gnomAD compares: Non-Finnish European, 0.0045%; no homozygotes.

Submissions (4):

Labcorp Genetics (formerly Invitae), Labcorp
Classification: Likely benign for Arrhythmogenic cardiomyopathy with wooly hair and keratoderma; Arrhythmogenic right ventricular dysplasia 8. Last evaluated: 2026-01-06. Review status: criteria provided, single submitter. Criteria: Invitae Variant Classification Sherloc (09022015). Collection method: clinical testing. Allele origin: germline.

Ambry Genetics
Classification: Uncertain significance for Cardiovascular phenotype. Last evaluated: 2024-12-20. Review status: criteria provided, single submitter. Criteria: Ambry Variant Classification Scheme 2023. Collection method: clinical testing. Allele origin: germline.
Comment: The p.R677K variant (also known as c.2030G>A), located in coding exon 15 of the DSP gene, results from a G to A substitution at nucleotide position 2030. The arginine at codon 677 is replaced by lysine, an amino acid with highly similar properties. This variant was reported in individual(s) with features consistent with dilated cardiomyopathy (Mazzarotto F et al. Circulation, 2020 02;141:387-398). This amino acid position is well conserved in available vertebrate species. In addition, this alteration is predicted to be tolerated by in silico analysis. Based on the available evidence, the clinical significance of this variant remains unclear.

Color Diagnostics, LLC DBA Color Health
Classification: Uncertain significance for Cardiomyopathy. Last evaluated: 2024-07-31. Review status: criteria provided, single submitter. Criteria: ACMG Guidelines, 2015. Collection method: clinical testing. Allele origin: germline.
Comment: This missense variant replaces arginine with lysine at codon 677 of the DSP protein. Computational prediction suggests that this variant may not impact protein structure and function. To our knowledge, functional studies have not been reported for this variant. This variant has been reported in one individual affected with dilated cardiomyopathy (PMID: 31983221). This variant has been identified in 5/282604 chromosomes in the general population by the Genome Aggregation Database (gnomAD). The available evidence is insufficient to determine the role of this variant in disease conclusively. Therefore, this variant is classified as a Variant of Uncertain Significance.

Fulgent Genetics
Classification: Uncertain significance for Arrhythmogenic cardiomyopathy with wooly hair and keratoderma; Arrhythmogenic right ventricular dysplasia 8; Lethal acantholytic epidermolysis bullosa; Keratosis palmoplantaris striata 2; Cardiomyopathy, dilated, with wooly hair, keratoderma, and tooth agenesis. Last evaluated: 2021-08-11. Review status: criteria provided, single submitter. Criteria: ACMG Guidelines, 2015. Collection method: clinical testing. Allele origin: unknown.

Literature cited by the submitters: PubMed 31983221 (cited by Ambry Genetics and Color Diagnostics, LLC DBA Color Health); PubMed 37652022 (cited by Ambry Genetics).

NM_004415.4(DSP):c.2030G>A (p.Arg677Lys)

Gene: DSP (desmoplakin; plus strand). Cytogenetic location: 6p24.3.
Variant type: single nucleotide variant.
Coding change: c.2030G>A on transcript NM_004415.4 (MANE Select); coding-DNA position 2030, G replaced by A.
Protein change: p.Arg677Lys; replaces arginine 677 with lysine.
Molecular consequence: missense variant.
Genome position (GRCh38, 1-based): chr6:7,571,968, G>A. VCF-style: chr6-7571968-G-A. GRCh37 (hg19) VCF-style: chr6-7572201-G-A.
Other names: c.2030G>A, p.Arg677Lys (NM_001008844.3, NM_001319034.2); short protein forms R677K.
Identifiers: ClinVar variation 838465 (VCV000838465.19), dbSNP rs749238502, ClinGen allele CA031381.